The following is an entry in ClinVar:

NM_001369369.1(FOXN1):c.704C>T (p.Ser235Leu)

Gene: FOXN1 (forkhead box N1; plus strand). Cytogenetic location: 17q11.2.
Variant type: single nucleotide variant.
Coding change: c.704C>T on transcript NM_001369369.1 (MANE Select); coding-DNA position 704, C replaced by T.
Protein change: p.Ser235Leu; replaces serine 235 with leucine.
Molecular consequence: missense variant.
Genome position (GRCh38, 1-based): chr17:28,529,098, C>T. VCF-style: chr17-28529098-C-T. GRCh37 (hg19) VCF-style: chr17-26856116-C-T.
Other names: c.704C>T, p.Ser235Leu (NM_003593.3); short protein forms S235L.
Identifiers: ClinVar variation 665133 (VCV000665133.8), dbSNP rs756784275, ClinGen allele CA8459321.

ClinVar aggregate classification (germline): Uncertain significance. Review status: criteria provided, multiple submitters, no conflicts (2 of 4 stars). 3 submissions from 3 submitters: Uncertain significance (2). 1 of the submissions does not count toward it. Last evaluated 2025-12-15.

Conditions:
Inborn genetic diseases. Identifiers: MedGen C0950123, MeSH D030342.
T-cell immunodeficiency, congenital alopecia, and nail dystrophy. Also called: Congenital alopecia and nail dystrophy associated with severe functional T-cell immunodeficiency; Pignata Guarino syndrome. Identifiers: Orphanet 169095, MedGen C1866426, MONDO:0011132, OMIM 601705.

Allele frequency attached by ClinVar (database versions not stated): gnomAD exomes 0.00001 and 0.00004; ExAC 0.00004; gnomAD 0.00007; TOPMed 0.00008.
gnomAD v4.1: 33 of 1,613,994 alleles (0.002%); highest among the groups gnomAD compares: African/African-American, 0.031%; no homozygotes.

Submissions (3):

Labcorp Genetics (formerly Invitae), Labcorp
Classification: Uncertain significance for T-cell immunodeficiency, congenital alopecia, and nail dystrophy. Last evaluated: 2025-12-15. Review status: criteria provided, single submitter. Criteria: Invitae Variant Classification Sherloc (09022015). Collection method: clinical testing. Allele origin: germline.
Comment: This sequence change replaces serine, which is neutral and polar, with leucine, which is neutral and non-polar, at codon 235 of the FOXN1 protein (p.Ser235Leu). This variant is present in population databases (rs756784275, gnomAD 0.03%). This variant has not been reported in the literature in individuals affected with FOXN1-related conditions. ClinVar contains an entry for this variant (Variation ID: 665133). Invitae Evidence Modeling of protein sequence and biophysical properties (such as structural, functional, and spatial information, amino acid conservation, physicochemical variation, residue mobility, and thermodynamic stability) indicates that this missense variant is not expected to disrupt FOXN1 protein function with a negative predictive value of 80%. In summary, the available evidence is currently insufficient to determine the role of this variant in disease. Therefore, it has been classified as a Variant of Uncertain Significance.

Ambry Genetics
Classification: Uncertain significance for Inborn genetic diseases. Last evaluated: 2024-01-03. Review status: criteria provided, single submitter. Criteria: Ambry Variant Classification Scheme 2023. Collection method: clinical testing. Allele origin: germline.

Department of Pathology and Laboratory Medicine, Sinai Health System
Classification: Uncertain significance. Review status: no assertion criteria provided. Collection method: clinical testing. Allele origin: unknown. Affected: yes. Study: The Canadian Open Genetics Repository (COGR). Not counted in ClinVar's aggregate classification.
Comment: The FOXN1 p.Ser235Leu variant was not identified in the literature nor was it identified in ClinVar or LOVD 3.0. The variant was identified in dbSNP (ID: rs756784275) and Cosmic (confirmed somatically in a pancreas carcinoma; FATHMM prediction of pathogenic, score 0.97). The variant was also identified in control databases in 12 of 282748 chromosomes at a frequency of 0.000042 (Genome Aggregation Database Feb 27, 2017). The variant was observed in the following populations: African in 7 of 24950 chromosomes (freq: 0.000281), East Asian in 2 of 19954 chromosomes (freq: 0.0001), Latino in 2 of 35440 chromosomes (freq: 0.000056) and European (non-Finnish) in 1 of 129072 chromosomes (freq: 0.000008), but was not observed in the Ashkenazi Jewish, European (Finnish), Other or South Asian populations. The p.Ser235 residue is conserved in mammals and computational analyses (PolyPhen-2, SIFT, AlignGVGD, BLOSUM, MutationTaster) provide inconsistent predictions regarding the impact to the protein; this information is not very predictive of pathogenicity. The variant occurs outside of the splicing consensus sequence and in silico or computational prediction software programs (SpliceSiteFinder, MaxEntScan, NNSPLICE, GeneSplicer) do not predict a difference in splicing. In summary, based on the above information the clinical significance of this variant cannot be determined with certainty at this time. This variant is classified as a variant of uncertain significance.